The following is an entry in ClinVar:

ClinVar aggregate classification (germline): Uncertain significance (1 of 4 stars; one submission).

Conditions:
Paroxysmal nonkinesigenic dyskinesia. Also called: Paroxysmal non-kinesigenic dyskinesia. Identifiers: Orphanet 98810, MedGen C1869117, MONDO:0700088.

Allele frequency attached by ClinVar (database versions not stated): gnomAD exomes below 0.00001.
gnomAD v4.1: 1 of 1,613,972 alleles (0.000062%); highest among the groups gnomAD compares: Admixed American, 0.0017%; no homozygotes.

Submission:

Labcorp Genetics (formerly Invitae), Labcorp
Classification: Uncertain significance for Paroxysmal nonkinesigenic dyskinesia. Last evaluated: 2022-09-23. Review status: criteria provided, single submitter. Criteria: Invitae Variant Classification Sherloc (09022015). Collection method: clinical testing. Allele origin: germline.
Comment: This sequence change replaces threonine, which is neutral and polar, with alanine, which is neutral and non-polar, at codon 361 of the PNKD protein (p.Thr361Ala). This variant is not present in population databases (gnomAD no frequency). This variant has not been reported in the literature in individuals affected with PNKD-related conditions. Algorithms developed to predict the effect of missense changes on protein structure and function output the following: SIFT: "Tolerated"; PolyPhen-2: "Benign"; Align-GVGD: "Class C0". The alanine amino acid residue is found in multiple mammalian species, which suggests that this missense change does not adversely affect protein function. In summary, the available evidence is currently insufficient to determine the role of this variant in disease. Therefore, it has been classified as a Variant of Uncertain Significance.

NM_015488.5(PNKD):c.1081A>G (p.Thr361Ala)

Genes: CATIP-AS2 (CATIP antisense RNA 2; minus strand), PNKD (PNKD metallo-beta-lactamase domain containing; plus strand). Cytogenetic location: 2q35.
Variant type: single nucleotide variant.
Coding change: c.1081A>G on transcript NM_015488.5 (MANE Select); coding-DNA position 1081, A replaced by G.
Protein change: p.Thr361Ala; replaces threonine 361 with alanine.
Molecular consequence: missense variant.
Genome position (GRCh38, 1-based): chr2:218,344,904, A>G. VCF-style: chr2-218344904-A-G. GRCh37 (hg19) VCF-style: chr2-219209627-A-G.
Other names: c.1009A>G, p.Thr337Ala (NM_022572.5); short protein forms T337A, T361A.
Identifiers: ClinVar variation 2062559 (VCV002062559.4), dbSNP rs2469474641, ClinGen allele CA350543882.